The following is an entry in ClinVar:

ClinVar aggregate classification (germline): Conflicting classifications of pathogenicity. Review status: criteria provided, conflicting classifications (1 of 4 stars). 3 submissions from 3 submitters: Uncertain significance (1); Likely benign (2). Last evaluated 2023-11-22.

Conditions:
Hereditary cancer-predisposing syndrome. Also called: Hereditary Cancer Syndrome; Hereditary neoplastic syndrome; Neoplastic Syndromes, Hereditary; Tumor predisposition. Identifiers: Orphanet 140162, MedGen C0027672, MeSH D009386, MONDO:0015356.
Haddad syndrome (OHD). Also called: Ondine-Hirschsprung disease. Identifiers: Orphanet 99803, MedGen C1859049, MONDO:0020493.

Submissions (3):

Ambry Genetics
Classification: Likely benign for Hereditary cancer-predisposing syndrome. Last evaluated: 2023-11-22. Review status: criteria provided, single submitter. Criteria: Ambry Variant Classification Scheme 2023. Collection method: clinical testing. Allele origin: germline.

Labcorp Genetics (formerly Invitae), Labcorp
Classification: Likely benign for Haddad syndrome. Last evaluated: 2022-12-02. Review status: criteria provided, single submitter. Criteria: Invitae Variant Classification Sherloc (09022015). Collection method: clinical testing. Allele origin: germline.

Sema4
Classification: Uncertain significance for Hereditary cancer-predisposing syndrome. Last evaluated: 2021-07-12. Review status: criteria provided, single submitter. Criteria: Sema4 Curation Guidelines. Collection method: curation. Allele origin: germline.
Comment: The PHOX2B c.933C>T (p.S311=) variant has not been reported in the literature to our knowledge. It was not observed in the large and broad cohorts of the Genome Aggregation Database (PMID: 32461654), nor has it been reported in ClinVar. In silico tools suggest the variant may potentially have an impact on splicing, though these predictions have not been confirmed by functional studies. The evidence is insufficient to meet ACMG/AMP criteria for classifying the variant as benign or pathogenic. Thus, the clinical significance of this variant is currently uncertain.

NM_003924.4(PHOX2B):c.933C>T (p.Ser311=)

Gene: PHOX2B (paired like homeobox 2B; minus strand). Cytogenetic location: 4p13.
Variant type: single nucleotide variant.
Coding change: c.933C>T on transcript NM_003924.4 (MANE Select); coding-DNA position 933, C replaced by T.
Protein change: p.Ser311=; no amino-acid change (serine 311 retained).
Molecular consequence: synonymous variant.
Genome position (GRCh38, 1-based): chr4:41,745,819, G>A on the plus strand (C>T on the coding strand, the complement: PHOX2B is on the minus strand). VCF-style: chr4-41745819-G-A. GRCh37 (hg19) VCF-style: chr4-41747836-G-A.
Identifiers: ClinVar variation 1692750 (VCV001692750.7), dbSNP rs2153112725, ClinGen allele CA439142799.
Genomic context (GRCh38, chr4:41,745,819, plus strand): 5'-CTGGCTCGCCCGCTGTCGCCGCCGCCGCCGCCGCCGCAGGATTCCAGATCAGAACATACT[G>A]CTCTTCACTAAGGCGGCTTTGGCACCGTTGGGTCTTTGGAGCGAAGATAGGACGCTGGCG-3'
Protein context (NP_003915.2, residues 301-314): PNGAKAALVK[Ser311=]SMF